The following is an entry in ClinVar:

NM_001318734.2(KLC2):c.1785+6G>T

Gene: KLC2 (kinesin light chain 2; plus strand). Cytogenetic location: 11q13.2.
Variant type: single nucleotide variant.
Coding change: c.1785+6G>T on transcript NM_001318734.2 (MANE Select); 6 bases into the intron after coding-DNA position 1785, G replaced by T.
Molecular consequence: intron variant.
Genome position (GRCh38, 1-based): chr11:66,266,496, G>T. VCF-style: chr11-66266496-G-T. GRCh37 (hg19) VCF-style: chr11-66033967-G-T.
Other names: c.1785+6G>T (NM_001134775.2, NM_022822.3, NM_001134776.2); c.1554+6G>T (NM_001134774.2).
Identifiers: ClinVar variation 2059856 (VCV002059856.4), dbSNP rs371165669, ClinGen allele CA6117561.
Genomic context (GRCh38, chr11:66,266,496, plus strand): 5'-GAAGCGGGCCAGTTCCCTCAACTTCCTCAACAAGAGCGTGGAAGAGCCGACCCAGGTAGG[G>T]GCAGGCGGGTGTCTGGGCACTGGGCAGCTGCGGCCGGGGCTGCATGCGTGCTGCCAAGCT-3'

ClinVar aggregate classification (germline): Uncertain significance (1 of 4 stars; one submission).

Allele frequency attached by ClinVar (database versions not stated): ExAC 0.00011; 1000 Genomes Project 0.00040; ESP Exome Variant Server 0.00023; 1000 Genomes Project 30x 0.00031; gnomAD exomes 0.00003; TOPMed 0.00028; gnomAD 0.00029.
gnomAD v4.1: 106 of 1,613,936 alleles (0.0066%); highest among the groups gnomAD compares: African/African-American, 0.1%; 1 homozygote.

Submission:

Labcorp Genetics (formerly Invitae), Labcorp
Classification: Uncertain significance. Last evaluated: 2024-11-29. Review status: criteria provided, single submitter. Criteria: Invitae Variant Classification Sherloc (09022015). Collection method: clinical testing. Allele origin: germline.
Comment: This sequence change falls in intron 15 of the KLC2 gene. It does not directly change the encoded amino acid sequence of the KLC2 protein. It affects a nucleotide within the consensus splice site. This variant is present in population databases (rs371165669, gnomAD 0.1%), and has an allele count higher than expected for a pathogenic variant. This variant has not been reported in the literature in individuals affected with KLC2-related conditions. ClinVar contains an entry for this variant (Variation ID: 2059856). Variants that disrupt the consensus splice site are a relatively common cause of aberrant splicing (PMID: 17576681, 9536098). Algorithms developed to predict the effect of sequence changes on RNA splicing suggest that this variant is not likely to affect RNA splicing. In summary, the available evidence is currently insufficient to determine the role of this variant in disease. Therefore, it has been classified as a Variant of Uncertain Significance.

Literature cited by the submitters: PubMed 17576681; PubMed 9536098.